The following is an entry in ClinVar:

NM_005475.3(SH2B3):c.1303G>T (p.Val435Leu)

Gene: SH2B3 (SH2B adaptor protein 3; plus strand). Cytogenetic location: 12q24.12.
Variant type: single nucleotide variant.
Coding change: c.1303G>T on transcript NM_005475.3 (MANE Select); coding-DNA position 1303, G replaced by T.
Protein change: p.Val435Leu; replaces valine 435 with leucine.
Molecular consequence: missense variant.
Genome position (GRCh38, 1-based): chr12:111,447,722, G>T. VCF-style: chr12-111447722-G-T. GRCh37 (hg19) VCF-style: chr12-111885526-G-T.
Other names: c.697G>T, p.Val233Leu (NM_001291424.1); short protein forms V435L, V233L.
Identifiers: ClinVar variation 3953396 (VCV003953396.1).

ClinVar aggregate classification (germline): Uncertain significance (1 of 4 stars; one submission).

Conditions:
Inborn genetic diseases. Identifiers: MedGen C0950123, MeSH D030342.

Submission:

Ambry Genetics
Classification: Uncertain significance for Inborn genetic diseases. Last evaluated: 2025-03-28. Review status: criteria provided, single submitter. Criteria: Ambry Variant Classification Scheme 2023. Collection method: clinical testing. Allele origin: germline.
Comment: The p.V435L variant (also known as c.1303G>T), located in coding exon 6 of the SH2B3 gene, results from a G to T substitution at nucleotide position 1303. The valine at codon 435 is replaced by leucine, an amino acid with highly similar properties. This amino acid position is conserved. In addition, this alteration is predicted to be tolerated by in silico analysis. Based on the available evidence, the clinical significance of this variant remains unclear.